The following is an entry in ClinVar:

NM_015378.4(VPS13D):c.10821A>G (p.Gly3607=)

Gene: VPS13D (vacuolar protein sorting 13 homolog D; plus strand). Cytogenetic location: 1p36.22.
Variant type: single nucleotide variant.
Coding change: c.10821A>G on transcript NM_015378.4 (MANE Select); coding-DNA position 10821, A replaced by G.
Protein change: p.Gly3607=; no amino-acid change (glycine 3607 retained).
Molecular consequence: synonymous variant.
Genome position (GRCh38, 1-based): chr1:12,373,762, A>G. VCF-style: chr1-12373762-A-G. GRCh37 (hg19) VCF-style: chr1-12433817-A-G.
Other names: c.10746A>G, p.Gly3582= (NM_018156.4).
Identifiers: ClinVar variation 3251152 (VCV003251152.18), dbSNP rs2524458841.

ClinVar aggregate classification (germline): Likely benign (1 of 4 stars; one submission).

Submission:

CeGaT Center for Human Genetics Tuebingen
Classification: Likely benign. Last evaluated: 2024-06-01. Review status: criteria provided, single submitter. Criteria: CeGaT Center For Human Genetics Tuebingen Variant Classification Criteria Version 2. Collection method: clinical testing. Allele origin: germline. Affected: yes. Observed: 1 variant allele.
Comment: VPS13D: PM2:Supporting, BP4, BP7